The following is an entry in ClinVar:

ClinVar aggregate classification (germline): Likely benign. Review status: criteria provided, multiple submitters, no conflicts (2 of 4 stars). 4 submissions from 4 submitters: Likely benign (3). 1 of the submissions does not count toward it. Last evaluated 2026-02-01.

Conditions:
CTC1-related disorder. Also called: CTC1-related condition.
Dyskeratosis congenita. Identifiers: Orphanet 1775, MedGen C0265965, MONDO:0015780.

Allele frequency attached by ClinVar (database versions not stated): gnomAD exomes 0.00003 and 0.00006; ExAC 0.00008; ESP Exome Variant Server 0.00008; gnomAD 0.00024 and 0.00025; TOPMed 0.00035; 1000 Genomes Project 30x 0.00078; 1000 Genomes Project 0.00080.
gnomAD v4.1: 84 of 1,613,532 alleles (0.0052%); highest among the groups gnomAD compares: African/African-American, 0.099%; no homozygotes.

Submissions (4):

Labcorp Genetics (formerly Invitae), Labcorp
Classification: Likely benign for Dyskeratosis congenita. Last evaluated: 2026-02-01. Review status: criteria provided, single submitter. Criteria: Invitae Variant Classification Sherloc (09022015). Collection method: clinical testing. Allele origin: germline.

Blueprint Genetics
Classification: Likely benign. Last evaluated: 2022-11-17. Review status: criteria provided, single submitter. Criteria: ACMG Guidelines, 2015. Collection method: clinical testing. Allele origin: germline.

Sema4
Classification: Likely benign for Dyskeratosis congenita. Last evaluated: 2022-02-02. Review status: criteria provided, single submitter. Criteria: Sema4 Curation Guidelines. Collection method: curation. Allele origin: germline.

PreventionGenetics, part of Exact Sciences
Classification: Likely benign for CTC1-related condition. Last evaluated: 2020-10-16. Review status: no assertion criteria provided. Collection method: clinical testing. Allele origin: germline. Not counted in ClinVar's aggregate classification.
Comment: This variant is classified as likely benign based on ACMG/AMP sequence variant interpretation guidelines (Richards et al. 2015 PMID: 25741868, with internal and published modifications).

NM_025099.6(CTC1):c.1530C>T (p.Thr510=)

Gene: CTC1 (CST telomere replication complex component 1; minus strand). Cytogenetic location: 17p13.1.
Variant type: single nucleotide variant.
Coding change: c.1530C>T on transcript NM_025099.6 (MANE Select); coding-DNA position 1530, C replaced by T.
Protein change: p.Thr510=; no amino-acid change (threonine 510 retained).
Molecular consequence: synonymous variant. On other transcripts: non-coding transcript variant (1).
Genome position (GRCh38, 1-based): chr17:8,234,836, G>A on the plus strand (C>T on the coding strand, the complement: CTC1 is on the minus strand). VCF-style: chr17-8234836-G-A. GRCh37 (hg19) VCF-style: chr17-8138154-G-A.
Identifiers: ClinVar variation 529202 (VCV000529202.16), dbSNP rs376217684, ClinGen allele CA8372322.
Genomic context (GRCh38, chr17:8,234,836, plus strand): 5'-TTCAAGGATCTCATTGTGTGCATTCCGAACAGGGCTGCCTGGCGGAGCTAGAAGATCCAG[G>A]GTAGGAGCCAGGAGTTGCAGTCCCAGGCTGGGGCTCCCAGGAGAGGAATGTTGCAGGAAC-3'
Protein context (NP_079375.3, residues 500-520): PSLGLQLLAP[Thr510=]LDLLAPPGSP